The following is an entry in ClinVar:

ClinVar aggregate classification (germline): Uncertain significance (1 of 4 stars; one submission).

Conditions:
KMT2D-related disorder. Also called: KMT2D-Related Disorders.

Submission:

PreventionGenetics, part of Exact Sciences
Classification: Uncertain significance for KMT2D-related condition. Last evaluated: 2025-10-13. Review status: criteria provided, single submitter. Criteria: ACMG Guidelines, 2015. Collection method: clinical testing. Allele origin: germline.
Comment: The KMT2D c.1228G>A variant is predicted to result in the amino acid substitution p.Gly410Arg. To our knowledge, this variant has not been reported in the literature or in a large population database (gnomAD), indicating this variant is rare. At this time, the clinical significance of this variant is uncertain due to the absence of conclusive functional and genetic evidence.

NM_003482.4(KMT2D):c.1228G>A (p.Gly410Arg)

Gene: KMT2D (lysine methyltransferase 2D; minus strand). Cytogenetic location: 12q13.12.
Variant type: single nucleotide variant.
Coding change: c.1228G>A on transcript NM_003482.4 (MANE Select); coding-DNA position 1228, G replaced by A.
Protein change: p.Gly410Arg; replaces glycine 410 with arginine.
Molecular consequence: missense variant.
Genome position (GRCh38, 1-based): chr12:49,052,594, C>T on the plus strand (G>A on the coding strand, the complement: KMT2D is on the minus strand). VCF-style: chr12-49052594-C-T. GRCh37 (hg19) VCF-style: chr12-49446377-C-T.
Other names: short protein forms G410R.
Identifiers: ClinVar variation 4994532 (VCV004994532.1).